The following is an entry in ClinVar:

ClinVar aggregate classification (germline): Uncertain significance (1 of 4 stars; one submission).

Conditions:
Autoimmune lymphoproliferative syndrome type 1. Also called: AUTOIMMUNE LYMPHOPROLIFERATIVE SYNDROME, TYPE I, AUTOSOMAL DOMINANT. Identifiers: Orphanet 3261, MedGen C2717884, MONDO:0011158, OMIM 601859.

gnomAD v4.1: 9 of 1,570,154 alleles (0.00057%); highest among the groups gnomAD compares: South Asian, 0.0078%; no homozygotes.

Submission:

Neuberg Centre For Genomic Medicine, NCGM
Classification: Uncertain significance for Autoimmune lymphoproliferative syndrome type 1. Last evaluated: 2023-05-20. Review status: criteria provided, single submitter. Criteria: ACMG Guidelines, 2015. Collection method: clinical testing. Allele origin: germline. Inheritance: Autosomal recessive inheritance. Affected: yes.
Comment: The observed splice region c.1449+4T>C variant has not been reported previously as a pathogenic variant nor as a benign variant, to our knowledge. This variant is present with an allele frequency of 0.002% in gnomAD Exomes database. This variant has not been submitted to the ClinVar database. Splice AI predicts this variant to cause splice acceptor gain (0.01). For these reasons, this variant has been classified as Variant of Uncertain Significance (VUS).

NM_005546.4(ITK):c.1449+4T>C

Gene: ITK (IL2 inducible T cell kinase; plus strand). Cytogenetic location: 5q33.3.
Variant type: single nucleotide variant.
Coding change: c.1449+4T>C on transcript NM_005546.4 (MANE Select); 4 bases into the intron after coding-DNA position 1449, T replaced by C.
Molecular consequence: intron variant.
Genome position (GRCh38, 1-based): chr5:157,244,482, T>C. VCF-style: chr5-157244482-T-C. GRCh37 (hg19) VCF-style: chr5-156671492-T-C.
Identifiers: ClinVar variation 3367065 (VCV003367065.1).